The following is an entry in ClinVar:

ClinVar aggregate classification (germline): Uncertain significance (1 of 4 stars; one submission).

Conditions:
Cardiovascular phenotype. Identifiers: MedGen CN230736.

Submission:

Ambry Genetics
Classification: Uncertain significance for Cardiovascular phenotype. Last evaluated: 2026-04-09. Review status: criteria provided, single submitter. Criteria: Ambry Variant Classification Scheme 2023. Collection method: clinical testing. Allele origin: germline.
Comment: The p.E2720K variant (also known as c.8158G>A), located in coding exon 26 of the APOB gene, results from a G to A substitution at nucleotide position 8158. The glutamic acid at codon 2720 is replaced by lysine, an amino acid with similar properties. This amino acid position is conserved. In addition, this alteration is predicted to be tolerated by in silico analysis. Based on the available evidence, the clinical significance of this variant remains unclear.

NM_000384.3(APOB):c.8158G>A (p.Glu2720Lys)

Gene: APOB (apolipoprotein B; minus strand). Cytogenetic location: 2p24.1.
Variant type: single nucleotide variant.
Coding change: c.8158G>A on transcript NM_000384.3 (MANE Select); coding-DNA position 8158, G replaced by A.
Protein change: p.Glu2720Lys; replaces glutamic acid 2720 with lysine.
Molecular consequence: missense variant.
Genome position (GRCh38, 1-based): chr2:21,008,710, C>T on the plus strand (G>A on the coding strand, the complement: APOB is on the minus strand). VCF-style: chr2-21008710-C-T. GRCh37 (hg19) VCF-style: chr2-21231582-C-T.
Other names: short protein forms E2720K.
Identifiers: ClinVar variation 4862530 (VCV004862530.1).
Genomic context (GRCh38, chr2:21,008,710, plus strand): 5'-CTGGTATGTGAAGGTCAGGAACTTGAAAATCATTAAGGTTGAGAGTTGGGATTATGAATT[C>T]TGGAATTGCGATTTCTGGTAAACGGAAGTCTGGCAGGGTGATTCTCGCTAGAGGAATGTC-3'
Protein context (NP_000375.3, residues 2710-2730): DFRLPEIAIP[Glu2720Lys]FIIPTLNLND